The following is an entry in ClinVar:

NM_001012720.2(RGR):c.631-2A>G

Gene: RGR (retinal G protein coupled receptor; plus strand). Cytogenetic location: 10q23.1.
Variant type: single nucleotide variant.
Coding change: c.631-2A>G on transcript NM_001012720.2 (MANE Select); the canonical splice acceptor site of the intron before coding-DNA position 631, A replaced by G.
Molecular consequence: splice acceptor variant. On other transcripts: intron variant (1).
Genome position (GRCh38, 1-based): chr10:84,257,891, A>G. VCF-style: chr10-84257891-A-G. GRCh37 (hg19) VCF-style: chr10-86017647-A-G.
Other names: c.643-2A>G (NM_002921.4); c.631-617A>G (NM_001012722.2).
Identifiers: ClinVar variation 2126375 (VCV002126375.4), dbSNP rs201819531, ClinGen allele CA5581532.

ClinVar aggregate classification (germline): Uncertain significance (1 of 4 stars; one submission).

Allele frequency attached by ClinVar (database versions not stated): ExAC 0.00001; gnomAD 0.00001; gnomAD exomes 0.00001; TOPMed 0.00001; 1000 Genomes Project 30x 0.00016; 1000 Genomes Project 0.00020.
gnomAD v4.1: 10 of 1,613,830 alleles (0.00062%); highest among the groups gnomAD compares: East Asian, 0.022%; no homozygotes.

Submission:

Labcorp Genetics (formerly Invitae), Labcorp
Classification: Uncertain significance. Last evaluated: 2022-04-15. Review status: criteria provided, single submitter. Criteria: Invitae Variant Classification Sherloc (09022015). Collection method: clinical testing. Allele origin: germline.
Comment: In summary, the available evidence is currently insufficient to determine the role of this variant in disease. Therefore, it has been classified as a Variant of Uncertain Significance. Algorithms developed to predict the effect of sequence changes on RNA splicing suggest that this variant may disrupt the consensus splice site. This variant has not been reported in the literature in individuals affected with RGR-related conditions. This variant is present in population databases (rs201819531, gnomAD 0.01%). This sequence change affects an acceptor splice site in intron 5 of the RGR gene. It is expected to disrupt RNA splicing. Variants that disrupt the donor or acceptor splice site typically lead to a loss of protein function (PMID: 16199547), however the current clinical and genetic evidence is not sufficient to establish whether loss-of-function variants in RGR cause disease.

Literature cited by the submitters: PubMed 16199547.